The following is an entry in ClinVar:

NM_058216.3(RAD51C):c.891_892insAA (p.Val298fs)

Gene: RAD51C (RAD51 paralog C; plus strand). Cytogenetic location: 17q22.
Variant type: Insertion.
Coding change: c.891_892insAA on transcript NM_058216.3 (MANE Select); coding-DNA positions 891 to 892, AA inserted.
Protein change: p.Val298fs; shifts the reading frame from valine 298.
Molecular consequence: frameshift variant. On other transcripts: non-coding transcript variant (1).
Genome position: GRCh38 VCF-style: chr17-58720799-T-TAA. GRCh37 (hg19) VCF-style: chr17-56798160-T-TAA.
Other names: short protein forms V298fs.
Identifiers: ClinVar variation 4149883 (VCV004149883.1).
Genomic context (GRCh38, chr17:58,720,799, plus strand): 5'-TTTGTAGGTAATTTTAACCAATCAGATGACAACAAAGATTGATAGAAATCAGGCCTTGCT[T>TAA]GTTCCTGCATTAGGTGGGTAATTAATCAGATAAACATTTTAGTTTATCACAGTTTTTCTT-3'

ClinVar aggregate classification (germline): Pathogenic (1 of 4 stars; one submission).

Conditions:
Hereditary cancer-predisposing syndrome. Also called: Hereditary neoplastic syndrome; Neoplastic Syndromes, Hereditary; Tumor predisposition; Hereditary Cancer Syndrome. Identifiers: Orphanet 140162, MedGen C0027672, MeSH D009386, MONDO:0015356.

Submission:

Ambry Genetics
Classification: Pathogenic for Hereditary cancer-predisposing syndrome. Last evaluated: 2025-06-25. Review status: criteria provided, single submitter. Criteria: Ambry Variant Classification Scheme 2023. Collection method: clinical testing. Allele origin: germline.
Comment: The c.891_892insAA pathogenic mutation, located in coding exon 6 of the RAD51C gene, results from an insertion of two nucleotides at position 891, causing a translational frameshift with a predicted alternate stop codon (p.V298Kfs*5). This variant is considered to be rare based on population cohorts in the Genome Aggregation Database (gnomAD). This alteration is expected to result in loss of function by premature protein truncation or nonsense-mediated mRNA decay. As such, this alteration is interpreted as a disease-causing mutation.